The following is an entry in ClinVar:

ClinVar aggregate classification (germline): Likely benign. Review status: criteria provided, multiple submitters, no conflicts (2 of 4 stars). 4 submissions from 4 submitters: Likely benign (3). 1 of the submissions does not count toward it. Last evaluated 2025-11-17.

Conditions:
KMT2D-related disorder. Also called: KMT2D-Related Disorders.
Kabuki syndrome. Also called: Kabuki make-up syndrome; NIIKAWA-KUROKI SYNDROME. Identifiers: Orphanet 2322, MedGen C0796004, MONDO:0016512.
Intellectual disability. Also called: Intellectual developmental disorder; Intellectual functioning disability; intellectual disabilities. Identifiers: MedGen C3714756, MeSH D008607, MONDO:0001071, HP:0001249.

Submissions (4):

Labcorp Genetics (formerly Invitae), Labcorp
Classification: Likely benign for Kabuki syndrome. Last evaluated: 2025-11-17. Review status: criteria provided, single submitter. Criteria: Invitae Variant Classification Sherloc (09022015). Collection method: clinical testing. Allele origin: germline.

PreventionGenetics, part of Exact Sciences
Classification: Likely benign for KMT2D-related condition. Last evaluated: 2024-12-06. Review status: criteria provided, single submitter. Criteria: ACMG Guidelines, 2015. Collection method: clinical testing. Allele origin: germline.
Comment: This variant is classified as likely benign based on ACMG/AMP sequence variant interpretation guidelines (Richards et al. 2015 PMID: 25741868, with internal and published modifications).

GeneDx
Classification: Likely benign. Last evaluated: 2021-04-20. Review status: criteria provided, single submitter. Criteria: GeneDx Variant Classification Process June 2021. Collection method: clinical testing. Allele origin: germline. Affected: yes.
Comment: This variant is associated with the following publications: (PMID: 30107592, 27302555)

Centre de Biologie Pathologie Génétique, Centre Hospitalier Universitaire de Lille
Classification: Likely benign for Intellectual disability. Last evaluated: 2019-01-01. Review status: no assertion criteria provided. Collection method: clinical testing. Allele origin: inherited. Affected: yes. Not counted in ClinVar's aggregate classification.

NM_003482.4(KMT2D):c.11226GCA[5] (p.Gln3745dup)

Gene: KMT2D (lysine methyltransferase 2D; minus strand). Cytogenetic location: 12q13.12.
Variant type: Microsatellite.
Coding change: c.11226GCA[5] on transcript NM_003482.4 (MANE Select); five copies in a row of the 3-base unit GCA starting at c.11226; the reference has four copies in a row; one copy, 3 bases duplicated.
Protein change: p.Gln3745dup; duplicates glutamine 3745.
Molecular consequence: inframe insertion.
Genome position (GRCh38, 1-based): chr12:49,033,468-49,033,470, TGC duplicated on the plus strand (GCA on the coding strand, the reverse complement: KMT2D is on the minus strand); duplicating any 3 consecutive bases within chr12:49,033,468-49,033,481 gives the same sequence; the position shown is the placement nearest the transcript's 3' end. VCF-style (leftmost placement, unchanged base first): chr12-49033467-G-GTGC. GRCh37 (hg19) VCF-style: chr12-49427250-G-GTGC.
Other names: c.11235_11237dupGCA (NM_003482.3).
Identifiers: ClinVar variation 975276 (VCV000975276.10), dbSNP rs760816616, ClinGen allele CA6546336.
Genomic context (GRCh38, chr12:49,033,467, plus strand): 5'-GTTTGTCTGTACTCCAGGACCCTGCTGCTGTTGCTGCTGGATTGCCACCTGTCCTAGAAG[G>GTGC]TGCTGCTGCTGCTGTTGCTGCTGCTGCTGCTGCTGCAGTTTCTGGGCCAGCTGCATACGT-3'